The following is an entry in ClinVar:

ClinVar aggregate classification (germline): Uncertain significance (1 of 4 stars; one submission).

Conditions:
Hereditary nonpolyposis colorectal neoplasms. Identifiers: MedGen C0009405, MeSH D003123.

Submission:

Labcorp Genetics (formerly Invitae), Labcorp
Classification: Uncertain significance for Hereditary nonpolyposis colorectal neoplasms. Last evaluated: 2024-12-15. Review status: criteria provided, single submitter. Criteria: Invitae Variant Classification Sherloc (09022015). Collection method: clinical testing. Allele origin: germline.
Comment: This sequence change replaces proline, which is neutral and non-polar, with histidine, which is basic and polar, at codon 408 of the MSH6 protein (p.Pro408His). This variant is not present in population databases (gnomAD no frequency). This variant has not been reported in the literature in individuals affected with MSH6-related conditions. Invitae Evidence Modeling of protein sequence and biophysical properties (such as structural, functional, and spatial information, amino acid conservation, physicochemical variation, residue mobility, and thermodynamic stability) indicates that this missense variant is expected to disrupt MSH6 protein function with a positive predictive value of 80%. In summary, the available evidence is currently insufficient to determine the role of this variant in disease. Therefore, it has been classified as a Variant of Uncertain Significance.

NM_000179.3(MSH6):c.1223C>A (p.Pro408His)

Gene: MSH6 (mutS homolog 6; plus strand). Cytogenetic location: 2p16.3.
Variant type: single nucleotide variant.
Coding change: c.1223C>A on transcript NM_000179.3 (MANE Select); coding-DNA position 1223, C replaced by A.
Protein change: p.Pro408His; replaces proline 408 with histidine.
Molecular consequence: missense variant. On other transcripts: non-coding transcript variant (4), intron variant (1).
Genome position (GRCh38, 1-based): chr2:47,799,206, C>A. VCF-style: chr2-47799206-C-A. GRCh37 (hg19) VCF-style: chr2-48026345-C-A.
Other names: c.698C>A, p.Pro233His (NM_001406806.1, NM_001406807.1, NM_001406799.1); c.1223C>A, p.Pro408His (NM_001406808.1, NM_001406809.1, NM_001406796.1 and 4 more transcripts); c.317C>A, p.Pro106His (NM_001406811.1, NM_001406812.1, NM_001406814.1 and 6 more transcripts); c.1229C>A, p.Pro410His (NM_001406813.1); c.1055C>A, p.Pro352His (NM_001406826.1); c.926C>A, p.Pro309His (NM_001406827.1, NM_001406828.1, NM_001406830.1 and 10 more transcripts); c.628-1460C>A (NM_001407362.1); c.833C>A, p.Pro278His (NM_001281492.2); and 2 more; short protein forms P106H, P410H, P440H, P278H, P309H, P408H, P233H, P352H.
Identifiers: ClinVar variation 3633924 (VCV003633924.2).